The following is an entry in ClinVar:

ClinVar aggregate classification (germline): Uncertain significance (1 of 4 stars; one submission).

Conditions:
Cardiovascular phenotype. Identifiers: MedGen CN230736.

gnomAD v4.1: 3 of 1,599,584 alleles (0.00019%); highest among the groups gnomAD compares: East Asian, 0.0045%; no homozygotes.

Submission:

Ambry Genetics
Classification: Uncertain significance for Cardiovascular phenotype. Last evaluated: 2026-07-13. Review status: criteria provided, single submitter. Criteria: Ambry Variant Classification Scheme 2023. Collection method: clinical testing. Allele origin: germline.
Comment: The p.Y700C variant (also known as c.2099A>G), located in coding exon 41 of the TRDN gene, results from an A to G substitution at nucleotide position 2099. The tyrosine at codon 700 is replaced by cysteine, an amino acid with highly dissimilar properties. This amino acid position is conserved. In addition, the in silico prediction for this alteration is inconclusive. Based on the available evidence, the clinical significance of this variant remains unclear.

NM_006073.4(TRDN):c.2099A>G (p.Tyr700Cys)

Gene: TRDN (triadin; minus strand). Cytogenetic location: 6q22.31.
Variant type: single nucleotide variant.
Coding change: c.2099A>G on transcript NM_006073.4 (MANE Select); coding-DNA position 2099, A replaced by G.
Protein change: p.Tyr700Cys; replaces tyrosine 700 with cysteine.
Molecular consequence: missense variant.
Genome position (GRCh38, 1-based): chr6:123,218,692, T>C on the plus strand (A>G on the coding strand, the complement: TRDN is on the minus strand). VCF-style: chr6-123218692-T-C. GRCh37 (hg19) VCF-style: chr6-123539837-T-C.
Other names: short protein forms Y700C.
Identifiers: ClinVar variation 5031099 (VCV005031099.1).
Genomic context (GRCh38, chr6:123,218,692, plus strand): 5'-TTTGCTTGACCAGAGCTCTCTCCAGGGCGGTCTGCAGGAGTGAAAGGAAACTGAAATCCA[T>C]AGCCATTGTACCCATCCAAGTAGACACACTGGAAGAAACTGATGGGACCTAAGGAACAGA-3'
Protein context (NP_006064.2, residues 690-710): QCVYLDGYNG[Tyr700Cys]GFQFPFTPAD